The following is an entry in ClinVar:

ClinVar aggregate classification (germline): Likely benign (0 of 4 stars; one submission).

Conditions:
PLXNB1-related disorder. Also called: PLXNB1-related condition.

Allele frequency attached by ClinVar (database versions not stated): gnomAD 0.00007; gnomAD exomes 0.00007; TOPMed 0.00010; 1000 Genomes Project 30x 0.00016; 1000 Genomes Project 0.00020; ExAC 0.00029.
gnomAD v4.1: 115 of 1,611,840 alleles (0.0071%); highest among the groups gnomAD compares: East Asian, 0.14%; no homozygotes.

Submission:

PreventionGenetics, part of Exact Sciences
Classification: Likely benign for PLXNB1-related condition. Last evaluated: 2019-10-23. Review status: no assertion criteria provided. Collection method: clinical testing. Allele origin: germline.
Comment: This variant is classified as likely benign based on ACMG/AMP sequence variant interpretation guidelines (Richards et al. 2015 PMID: 25741868, with internal and published modifications).

NM_001130082.3(PLXNB1):c.2577C>T (p.Asp859=)

Gene: PLXNB1 (plexin B1; minus strand). Cytogenetic location: 3p21.31.
Variant type: single nucleotide variant.
Coding change: c.2577C>T on transcript NM_001130082.3 (MANE Select); coding-DNA position 2577, C replaced by T.
Protein change: p.Asp859=; no amino-acid change (aspartic acid 859 retained).
Molecular consequence: synonymous variant.
Genome position (GRCh38, 1-based): chr3:48,419,709, G>A on the plus strand (C>T on the coding strand, the complement: PLXNB1 is on the minus strand). VCF-style: chr3-48419709-G-A. GRCh37 (hg19) VCF-style: chr3-48461118-G-A.
Other names: c.2577C>T, p.Asp859= (NM_002673.6).
Identifiers: ClinVar variation 3046025 (VCV003046025.2), dbSNP rs201784612, ClinGen allele CA2374785.